The following is an entry in ClinVar:

ClinVar aggregate classification (germline): Uncertain significance (1 of 4 stars; one submission).

Conditions:
Cardiovascular phenotype. Identifiers: MedGen CN230736.

gnomAD v4.1: 19 of 1,614,180 alleles (0.0012%); highest among the groups gnomAD compares: Non-Finnish European, 0.0014%; no homozygotes.

Submission:

Ambry Genetics
Classification: Uncertain significance for Cardiovascular phenotype. Last evaluated: 2026-07-09. Review status: criteria provided, single submitter. Criteria: Ambry Variant Classification Scheme 2023. Collection method: clinical testing. Allele origin: germline.
Comment: The p.T1118I variant (also known as c.3353C>T), located in coding exon 27 of the ABCC9 gene, results from a C to T substitution at nucleotide position 3353. The threonine at codon 1118 is replaced by isoleucine, an amino acid with similar properties. This amino acid position is conserved. In addition, this alteration is predicted to be deleterious by in silico analysis. Based on the available evidence, the clinical significance of this variant remains unclear.

NM_020297.4(ABCC9):c.3353C>T (p.Thr1118Ile)

Gene: ABCC9 (ATP binding cassette subfamily C member 9; minus strand). Cytogenetic location: 12p12.1.
Variant type: single nucleotide variant.
Coding change: c.3353C>T on transcript NM_020297.4 (MANE Select); coding-DNA position 3353, C replaced by T.
Protein change: p.Thr1118Ile; replaces threonine 1118 with isoleucine.
Molecular consequence: missense variant.
Genome position (GRCh38, 1-based): chr12:21,842,434, G>A on the plus strand (C>T on the coding strand, the complement: ABCC9 is on the minus strand). VCF-style: chr12-21842434-G-A. GRCh37 (hg19) VCF-style: chr12-21995368-G-A.
Other names: c.3353C>T, p.Thr1118Ile (NM_001377273.1, NM_005691.4); c.2486C>T, p.Thr829Ile (NM_001377274.1); short protein forms T1118I, T829I.
Identifiers: ClinVar variation 5024320 (VCV005024320.1).
Genomic context (GRCh38, chr12:21,842,434, plus strand): 5'-GCAACCAGGAACACAGGAGTAGCATAAGAAATCATCCCAATGGCAGACAGGCAGAGCAGT[G>A]TTGAGCGAGTTAGAGATTCCAAGGTTGGAGGGATGTGCTATTAGGGTAGTTTAAAAGGAA-3'
Protein context (NP_064693.2, residues 1108-1128): PPTLESLTRS[Thr1118Ile]LLCLSAIGMI